The following is an entry in ClinVar:

NM_002633.3(PGM1):c.1599+6G>T

Gene: PGM1 (phosphoglucomutase 1; plus strand). Cytogenetic location: 1p31.3.
Variant type: single nucleotide variant.
Coding change: c.1599+6G>T on transcript NM_002633.3 (MANE Select); 6 bases into the intron after coding-DNA position 1599, G replaced by T.
Molecular consequence: intron variant.
Genome position (GRCh38, 1-based): chr1:63,654,472, G>T. VCF-style: chr1-63654472-G-T. GRCh37 (hg19) VCF-style: chr1-64120143-G-T.
Other names: c.1008+6G>T (NM_001172819.2); c.1653+6G>T (NM_001172818.1); c.1599+6G>T (NM_002633.2).
Identifiers: ClinVar variation 2198320 (VCV002198320.3), dbSNP rs141133249, ClinGen allele CA889908.

ClinVar aggregate classification (germline): Conflicting classifications of pathogenicity. Review status: criteria provided, conflicting classifications (1 of 4 stars). 3 submissions from 3 submitters: Uncertain significance (2); Likely benign (1). Last evaluated 2026-04-10.

Conditions:
PGM1-related disorder. Also called: PGM1-related disorders; PGM1-related condition.
PGM1-congenital disorder of glycosylation. Also called: PHOSPHOGLUCOMUTASE 1 DEFICIENCY; PGM1 DEFICIENCY; GLYCOGEN STORAGE DISEASE XIV; GSD XIV; Congenital disorder of glycosylation type 1t; CDG It. Identifiers: Orphanet 319646, MedGen C2752015, MONDO:0013968, OMIM 614921.

Allele frequency attached by ClinVar (database versions not stated): ESP Exome Variant Server 0.00015; gnomAD 0.00022; 1000 Genomes Project 30x 0.00047; 1000 Genomes Project 0.00060.
gnomAD v4.1: 73 of 1,613,702 alleles (0.0045%); highest among the groups gnomAD compares: African/African-American, 0.075%; no homozygotes.

Submissions (3):

PreventionGenetics, part of Exact Sciences
Classification: Likely benign for PGM1-related condition. Last evaluated: 2026-04-10. Review status: criteria provided, single submitter. Criteria: ACMG Guidelines, 2015. Collection method: clinical testing. Allele origin: germline.
Comment: This variant is classified as likely benign based on ACMG/AMP sequence variant interpretation guidelines (Richards et al. 2015 PMID: 25741868, with internal and published modifications).

Labcorp Genetics (formerly Invitae), Labcorp
Classification: Uncertain significance for PGM1-congenital disorder of glycosylation. Last evaluated: 2022-05-07. Review status: criteria provided, single submitter. Criteria: Invitae Variant Classification Sherloc (09022015). Collection method: clinical testing. Allele origin: germline.
Comment: This sequence change falls in intron 10 of the PGM1 gene. It does not directly change the encoded amino acid sequence of the PGM1 protein. It affects a nucleotide within the consensus splice site. This variant is present in population databases (rs141133249, gnomAD 0.08%). This variant has not been reported in the literature in individuals affected with PGM1-related conditions. Variants that disrupt the consensus splice site are a relatively common cause of aberrant splicing (PMID: 17576681, 9536098). Algorithms developed to predict the effect of sequence changes on RNA splicing suggest that this variant is not likely to affect RNA splicing. In summary, the available evidence is currently insufficient to determine the role of this variant in disease. Therefore, it has been classified as a Variant of Uncertain Significance.

Blueprint Genetics
Classification: Uncertain significance. Last evaluated: 2022-01-31. Review status: criteria provided, single submitter. Criteria: ACMG Guidelines, 2015. Collection method: clinical testing. Allele origin: germline.

Literature cited by the submitters: PubMed 17576681 (cited by Labcorp Genetics (formerly Invitae), Labcorp); PubMed 9536098 (cited by Labcorp Genetics (formerly Invitae), Labcorp).